The following is an entry in ClinVar:

NM_006019.4(TCIRG1):c.1882del (p.Arg628fs)

Gene: TCIRG1 (T cell immune regulator 1, ATPase H+ transporting V0 subunit a3; plus strand). Cytogenetic location: 11q13.2.
Variant type: Deletion.
Coding change: c.1882del on transcript NM_006019.4 (MANE Select); coding-DNA position 1882, one base deleted (C; older notation c.1882delC).
Protein change: p.Arg628fs; shifts the reading frame from arginine 628.
Molecular consequence: frameshift variant.
Genome position (GRCh38, 1-based): chr11:68,049,289, C deleted; the last of 5 consecutive C bases (chr11:68,049,285-68,049,289); deleting any one gives the same sequence. VCF-style (leftmost placement, unchanged base first): chr11-68049284-AC-A. GRCh37 (hg19) VCF-style: chr11-67816751-AC-A.
Other names: c.988del, p.Arg330fs (NM_001351059.2); c.1234del, p.Arg412fs (NM_006053.4); short protein forms R412fs, R330fs, R628fs.
Identifiers: ClinVar variation 955828 (VCV000955828.8), dbSNP rs1855668626, ClinGen allele CA1139662058.

ClinVar aggregate classification (germline): Pathogenic (1 of 4 stars; one submission).

Submission:

Labcorp Genetics (formerly Invitae), Labcorp
Classification: Pathogenic. Last evaluated: 2025-03-30. Review status: criteria provided, single submitter. Criteria: Invitae Variant Classification Sherloc (09022015). Collection method: clinical testing. Allele origin: germline.
Comment: This sequence change creates a premature translational stop signal (p.Arg628Glyfs*59) in the TCIRG1 gene. It is expected to result in an absent or disrupted protein product. Loss-of-function variants in TCIRG1 are known to be pathogenic (PMID: 10888887, 10942435, 11532986, 19448635). This variant is not present in population databases (gnomAD no frequency). This variant has not been reported in the literature in individuals affected with TCIRG1-related conditions. ClinVar contains an entry for this variant (Variation ID: 955828). For these reasons, this variant has been classified as Pathogenic.

Literature cited by the submitters: PubMed 10888887; PubMed 10942435; PubMed 11532986; PubMed 19448635.